The following is an entry in ClinVar:

NM_014516.4(CNOT3):c.83T>C (p.Ile28Thr)

Gene: CNOT3 (CCR4-NOT transcription complex subunit 3; plus strand). Cytogenetic location: 19q13.42.
Variant type: single nucleotide variant.
Coding change: c.83T>C on transcript NM_014516.4 (MANE Select); coding-DNA position 83, T replaced by C.
Protein change: p.Ile28Thr; replaces isoleucine 28 with threonine.
Molecular consequence: missense variant. On other transcripts: 5 prime UTR variant (2), non-coding transcript variant (2).
Genome position (GRCh38, 1-based): chr19:54,143,176, T>C. VCF-style: chr19-54143176-T-C. GRCh37 (hg19) VCF-style: chr19-54646912-T-C.
Other names: c.83T>C, p.Ile28Thr (NM_001440653.1, NM_001440654.1, NM_001440655.1 and 7 more transcripts); c.-517T>C (NM_001440659.1, NM_001440660.1); short protein forms I28T.
Identifiers: ClinVar variation 4883627 (VCV004883627.2).

ClinVar aggregate classification (germline): Uncertain significance (1 of 4 stars; one submission).

Conditions:
Intellectual developmental disorder with speech delay, autism, and dysmorphic facies. Identifiers: MedGen C5231456, MONDO:0032864, OMIM 618672.

Submission:

Dasa
Classification: Uncertain significance for Intellectual developmental disorder with speech delay, autism, and dysmorphic facies. Last evaluated: 2024-10-10. Review status: criteria provided, single submitter. Criteria: DASA Assertion Criteria. Collection method: clinical testing. Allele origin: germline.
Comment: NM_014516.4(CNOT3):c.83T>C (p.Ile28Thr) is a missense variant that results in the substitution of isoleucine with threonine. This variant is absent from population databases. The currently available literature and clinical evidence are not sufficient to establish a definitive association between this variant and the reported condition. Therefore, this variant is classified as a variant of uncertain significance.